The following is an entry in ClinVar:

NM_005458.8(GABBR2):c.1304G>T (p.Arg435Met)

Gene: GABBR2 (gamma-aminobutyric acid type B receptor subunit 2; minus strand). Cytogenetic location: 9q22.33.
Variant type: single nucleotide variant.
Coding change: c.1304G>T on transcript NM_005458.8 (MANE Select); coding-DNA position 1304, G replaced by T.
Protein change: p.Arg435Met; replaces arginine 435 with methionine.
Molecular consequence: missense variant.
Genome position (GRCh38, 1-based): chr9:98,394,249, C>A on the plus strand (G>T on the coding strand, the complement: GABBR2 is on the minus strand). VCF-style: chr9-98394249-C-A. GRCh37 (hg19) VCF-style: chr9-101156531-C-A.
Other names: short protein forms R435M.
Identifiers: ClinVar variation 2703585 (VCV002703585.3), dbSNP rs146990467, ClinGen allele CA5152753.

ClinVar aggregate classification (germline): Uncertain significance (1 of 4 stars; one submission).

Conditions:
Epileptic encephalopathy. Identifiers: MedGen C0543888, HP:0200134.

gnomAD v4.1: 1 of 1,612,898 alleles (0.000062%); highest among the groups gnomAD compares: Admixed American, 0.0017%; no homozygotes.

Submission:

Labcorp Genetics (formerly Invitae), Labcorp
Classification: Uncertain significance for Epileptic encephalopathy. Last evaluated: 2024-01-02. Review status: criteria provided, single submitter. Criteria: Invitae Variant Classification Sherloc (09022015). Collection method: clinical testing. Allele origin: germline.
Comment: This sequence change replaces arginine, which is basic and polar, with methionine, which is neutral and non-polar, at codon 435 of the GABBR2 protein (p.Arg435Met). This variant is present in population databases (rs146990467, gnomAD 0.0009%). This variant has not been reported in the literature in individuals affected with GABBR2-related conditions. Advanced modeling of protein sequence and biophysical properties (such as structural, functional, and spatial information, amino acid conservation, physicochemical variation, residue mobility, and thermodynamic stability) has been performed at Invitae for this missense variant, however the output from this modeling did not meet the statistical confidence thresholds required to predict the impact of this variant on GABBR2 protein function. In summary, the available evidence is currently insufficient to determine the role of this variant in disease. Therefore, it has been classified as a Variant of Uncertain Significance.